The following is an entry in ClinVar:

NM_001572.5(IRF7):c.946C>A (p.Pro316Thr)

Gene: IRF7 (interferon regulatory factor 7; minus strand). Cytogenetic location: 11p15.5.
Variant type: single nucleotide variant.
Coding change: c.946C>A on transcript NM_001572.5 (MANE Select); coding-DNA position 946, C replaced by A.
Protein change: p.Pro316Thr; replaces proline 316 with threonine.
Molecular consequence: missense variant.
Genome position (GRCh38, 1-based): chr11:613,497, G>T on the plus strand (C>A on the coding strand, the complement: IRF7 is on the minus strand). VCF-style: chr11-613497-G-T. GRCh37 (hg19) VCF-style: chr11-613497-G-T.
Other names: c.859C>A, p.Pro287Thr (NM_004029.4); c.985C>A, p.Pro329Thr (NM_004031.4); short protein forms P316T, P287T, P329T.
Identifiers: ClinVar variation 3647730 (VCV003647730.2).

ClinVar aggregate classification (germline): Uncertain significance (1 of 4 stars; one submission).

Conditions:
Immunodeficiency 39 (IMD39). Identifiers: Orphanet 574918, MedGen C4225358, MONDO:0014597, OMIM 616345.

Submission:

Labcorp Genetics (formerly Invitae), Labcorp
Classification: Uncertain significance for Immunodeficiency 39. Last evaluated: 2024-08-13. Review status: criteria provided, single submitter. Criteria: Invitae Variant Classification Sherloc (09022015). Collection method: clinical testing. Allele origin: germline.
Comment: This sequence change replaces proline, which is neutral and non-polar, with threonine, which is neutral and polar, at codon 329 of the IRF7 protein (p.Pro329Thr). This variant is not present in population databases (gnomAD no frequency). This variant has not been reported in the literature in individuals affected with IRF7-related conditions. Invitae Evidence Modeling of protein sequence and biophysical properties (such as structural, functional, and spatial information, amino acid conservation, physicochemical variation, residue mobility, and thermodynamic stability) indicates that this missense variant is not expected to disrupt IRF7 protein function with a negative predictive value of 80%. In summary, the available evidence is currently insufficient to determine the role of this variant in disease. Therefore, it has been classified as a Variant of Uncertain Significance.